The following is an entry in ClinVar:

NM_003073.5(SMARCB1):c.500+24C>G

Gene: SMARCB1 (SWI/SNF related BAF chromatin remodeling complex subunit B1; plus strand). Cytogenetic location: 22q11.23.
Variant type: single nucleotide variant.
Coding change: c.500+24C>G on transcript NM_003073.5 (MANE Select); 24 bases into the intron after coding-DNA position 500, C replaced by G.
Molecular consequence: intron variant. On other transcripts: missense variant (2).
Genome position (GRCh38, 1-based): chr22:23,801,105, C>G. VCF-style: chr22-23801105-C-G. GRCh37 (hg19) VCF-style: chr22-24143292-C-G.
Other names: c.500+24C>G (LRG_520t1); c.497C>G, p.Thr166Ser (NM_001317946.2); c.524C>G, p.Thr175Ser (NM_001362877.2); c.473+24C>G (NM_001007468.3); c.524C>G (NM_001362877.1); short protein forms T166S, T175S.
Identifiers: ClinVar variation 41778 (VCV000041778.30), dbSNP rs199737164, ClinGen allele CA156478.

ClinVar aggregate classification (germline): Benign/Likely benign. Review status: criteria provided, multiple submitters, no conflicts (2 of 4 stars). 7 submissions from 7 submitters: Benign (1); Likely benign (3). 3 of the submissions do not count toward it. Last evaluated 2026-07-01.

Conditions:
Coffin-Siris syndrome. Identifiers: Orphanet 1465, MedGen C0265338, MONDO:0015452.
SMARCB1-related disorder. Also called: SMARCB1-related condition; SMARCB1-related disorders.

Allele frequency attached by ClinVar (database versions not stated): ESP Exome Variant Server 0.00077; gnomAD 0.00084 and 0.00086; ExAC 0.00148; TOPMed 0.00080; 1000 Genomes Project 30x 0.00047; gnomAD exomes 0.00110 and 0.00093; 1000 Genomes Project 0.00020.
gnomAD v4.1: 1,476 of 1,614,182 alleles (0.091%); highest among the groups gnomAD compares: Non-Finnish European, 0.11%; 1 homozygote.

Submissions (7):

CeGaT Center for Human Genetics Tuebingen
Classification: Likely benign. Last evaluated: 2026-07-01. Review status: criteria provided, single submitter. Criteria: CeGaT Center For Human Genetics Tuebingen Variant Classification Criteria Version 2. Collection method: clinical testing. Allele origin: germline. Affected: yes. Observed: 14 variant alleles.
Comment: SMARCB1: PP3, BS1

Blueprint Genetics
Classification: Likely benign. Last evaluated: 2024-10-16. Review status: criteria provided, single submitter. Criteria: ACMG Guidelines, 2015. Collection method: clinical testing. Allele origin: germline.

ARUP Laboratories, Molecular Genetics and Genomics, ARUP Laboratories
Classification: Likely benign. Last evaluated: 2023-10-03. Review status: criteria provided, single submitter. Criteria: ARUP Molecular Germline Variant Investigation Process 2024. Collection method: clinical testing. Allele origin: germline.

Department of Pathology and Laboratory Medicine, Sinai Health System
Classification: Benign for Coffin-Siris syndrome. Last evaluated: 2021-07-30. Review status: criteria provided, single submitter. Criteria: ACMG Guidelines, 2015. Collection method: research. Allele origin: germline.

PreventionGenetics, part of Exact Sciences
Classification: Likely benign for SMARCB1-related condition. Last evaluated: 2019-05-22. Review status: no assertion criteria provided. Collection method: clinical testing. Allele origin: germline. Not counted in ClinVar's aggregate classification.
Comment: This variant is classified as likely benign based on ACMG/AMP sequence variant interpretation guidelines (Richards et al. 2015 PMID: 25741868, with internal and published modifications).

ITMI
No classification provided. Condition: AllHighlyPenetrant. Last evaluated: 2013-09-19. Review status: no classification provided. Collection method: reference population. Allele origin: germline. Not counted in ClinVar's aggregate classification.
Comment: Please see associated publication for description of ethnicities

Biesecker Lab/Clinical Genomics Section, National Institutes of Health
Classification: Uncertain significance. Last evaluated: 2012-07-13. Review status: no assertion criteria provided. Collection method: research. Allele origin: germline. Affected: no. Observed: 1 variant allele. Study: ClinSeq. Not counted in ClinVar's aggregate classification.
ClinVar note: Converted during submission from variant of unknown significance to Uncertain significance.

Literature cited by the submitters: PubMed 24728327 (cited by ITMI).